The following is an entry in ClinVar:

NM_012452.3(TNFRSF13B):c.842T>C (p.Ile281Thr)

Gene: TNFRSF13B (TNF receptor superfamily member 13B; minus strand). Cytogenetic location: 17p11.2.
Variant type: single nucleotide variant.
Coding change: c.842T>C on transcript NM_012452.3 (MANE Select); coding-DNA position 842, T replaced by C.
Protein change: p.Ile281Thr; replaces isoleucine 281 with threonine.
Molecular consequence: missense variant.
Genome position (GRCh38, 1-based): chr17:16,939,587, A>G on the plus strand (T>C on the coding strand, the complement: TNFRSF13B is on the minus strand). VCF-style: chr17-16939587-A-G. GRCh37 (hg19) VCF-style: chr17-16842901-A-G.
Other names: short protein forms I281T.
Identifiers: ClinVar variation 2961228 (VCV002961228.3), dbSNP rs2508178140, ClinGen allele CA398518908.

ClinVar aggregate classification (germline): Uncertain significance (1 of 4 stars; one submission).

Conditions:
Immunodeficiency, common variable, 2 (CVID2). Also called: HYPOGAMMAGLOBULINEMIA DUE TO TACI DEFICIENCY; ANTIBODY DEFICIENCY DUE TO TACI DEFECT. Identifiers: Orphanet 1572, MedGen C3150354, MONDO:0009413, OMIM 240500.

Allele frequency attached by ClinVar (database versions not stated): gnomAD exomes below 0.00001.
gnomAD v4.1: 2 of 1,612,996 alleles (0.00012%); highest among the groups gnomAD compares: Non-Finnish European, 0.000085%; no homozygotes.

Submission:

Labcorp Genetics (formerly Invitae), Labcorp
Classification: Uncertain significance for Immunodeficiency, common variable, 2. Last evaluated: 2023-10-29. Review status: criteria provided, single submitter. Criteria: Invitae Variant Classification Sherloc (09022015). Collection method: clinical testing. Allele origin: germline.
Comment: This sequence change replaces isoleucine, which is neutral and non-polar, with threonine, which is neutral and polar, at codon 281 of the TNFRSF13B protein (p.Ile281Thr). This variant is not present in population databases (gnomAD no frequency). This variant has not been reported in the literature in individuals affected with TNFRSF13B-related conditions. Advanced modeling of protein sequence and biophysical properties (such as structural, functional, and spatial information, amino acid conservation, physicochemical variation, residue mobility, and thermodynamic stability) performed at Invitae indicates that this missense variant is not expected to disrupt TNFRSF13B protein function with a negative predictive value of 80%. In summary, the available evidence is currently insufficient to determine the role of this variant in disease. Therefore, it has been classified as a Variant of Uncertain Significance.